The following is an entry in ClinVar:

NM_001367871.1(FBRSL1):c.942G>A (p.Val314=)

Gene: FBRSL1 (fibrosin like 1; plus strand). Cytogenetic location: 12q24.33.
Variant type: single nucleotide variant.
Coding change: c.942G>A on transcript NM_001367871.1 (MANE Select); coding-DNA position 942, G replaced by A.
Protein change: p.Val314=; no amino-acid change (valine 314 retained).
Molecular consequence: synonymous variant.
Genome position (GRCh38, 1-based): chr12:132,570,176, G>A. VCF-style: chr12-132570176-G-A. GRCh37 (hg19) VCF-style: chr12-133146762-G-A.
Other names: c.942G>A, p.Val314= (NM_001142641.2, NM_001382739.1, NM_001382740.1).
Identifiers: ClinVar variation 4281588 (VCV004281588.7).

ClinVar aggregate classification (germline): Likely benign (1 of 4 stars; one submission).

gnomAD v4.1: 2 of 1,505,452 alleles (0.00013%); highest among the groups gnomAD compares: Admixed American, 0.0021%; no homozygotes.

Submission:

CeGaT Center for Human Genetics Tuebingen
Classification: Likely benign. Last evaluated: 2025-09-01. Review status: criteria provided, single submitter. Criteria: CeGaT Center For Human Genetics Tuebingen Variant Classification Criteria Version 2. Collection method: clinical testing. Allele origin: germline. Affected: yes. Observed: 1 variant allele.
Comment: FBRSL1: PM2:Supporting, BP4, BP7